The following is an entry in ClinVar:

NM_002734.5(PRKAR1A):c.88C>G (p.Leu30Val)

Gene: PRKAR1A (protein kinase cAMP-dependent type I regulatory subunit alpha; plus strand). Cytogenetic location: 17q24.2.
Variant type: single nucleotide variant.
Coding change: c.88C>G on transcript NM_002734.5 (MANE Select); coding-DNA position 88, C replaced by G.
Protein change: p.Leu30Val; replaces leucine 30 with valine.
Molecular consequence: missense variant.
Genome position (GRCh38, 1-based): chr17:68,515,487, C>G. VCF-style: chr17-68515487-C-G. GRCh37 (hg19) VCF-style: chr17-66511628-C-G.
Other names: c.88C>G, p.Leu30Val (NM_001276289.2, NM_001276290.1, NM_001278433.2 and 4 more transcripts); short protein forms L30V.
Identifiers: ClinVar variation 3425051 (VCV003425051.1).

ClinVar aggregate classification (germline): Uncertain significance (1 of 4 stars; one submission).

Conditions:
Hereditary cancer-predisposing syndrome. Also called: Neoplastic Syndromes, Hereditary; Tumor predisposition; Hereditary Cancer Syndrome; Hereditary neoplastic syndrome. Identifiers: Orphanet 140162, MedGen C0027672, MeSH D009386, MONDO:0015356.

gnomAD v4.1: 1 of 1,613,440 alleles (0.000062%); highest among the groups gnomAD compares: African/African-American, 0.0013%; no homozygotes.

Submission:

Ambry Genetics
Classification: Uncertain significance for Hereditary cancer-predisposing syndrome. Last evaluated: 2024-11-16. Review status: criteria provided, single submitter. Criteria: Ambry Variant Classification Scheme 2023. Collection method: clinical testing. Allele origin: germline.
Comment: The p.L30V variant (also known as c.88C>G), located in coding exon 1 of the PRKAR1A gene, results from a C to G substitution at nucleotide position 88. The leucine at codon 30 is replaced by valine, an amino acid with highly similar properties. This amino acid position is conserved. In addition, this alteration is predicted to be tolerated by in silico analysis. Based on the available evidence, the clinical significance of this variant remains unclear.